The following is an entry in ClinVar:

ClinVar aggregate classification (germline): Uncertain significance. Review status: criteria provided, multiple submitters, no conflicts (2 of 4 stars). 2 submissions from 2 submitters: Uncertain significance (2). Last evaluated 2023-05-12.

Conditions:
Hereditary cancer-predisposing syndrome. Also called: Tumor predisposition; Neoplastic Syndromes, Hereditary; Hereditary Cancer Syndrome; Hereditary neoplastic syndrome. Identifiers: Orphanet 140162, MedGen C0027672, MeSH D009386, MONDO:0015356.
Ataxia-telangiectasia syndrome (AT). Also called: ATAXIA-TELANGIECTASIA, COMPLEMENTATION GROUP A; ATAXIA-TELANGIECTASIA, FRESNO VARIANT; LOUIS-BAR SYNDROME; Ataxia telangiectasia (A-T); Cerebello-oculocutaneous telangiectasia; Immunodeficiency with ataxia telangiectasia. Identifiers: Orphanet 100, MedGen C0004135, MONDO:0008840, OMIM 208900.

Allele frequency attached by ClinVar (database versions not stated): gnomAD exomes below 0.00001.

Submissions (2):

Labcorp Genetics (formerly Invitae), Labcorp
Classification: Uncertain significance for Ataxia-telangiectasia syndrome. Last evaluated: 2023-05-12. Review status: criteria provided, single submitter. Criteria: Invitae Variant Classification Sherloc (09022015). Collection method: clinical testing. Allele origin: germline.
Comment: This variant is not present in population databases (gnomAD no frequency). In summary, the available evidence is currently insufficient to determine the role of this variant in disease. Therefore, it has been classified as a Variant of Uncertain Significance. Algorithms developed to predict the effect of missense changes on protein structure and function output the following: SIFT: "Not Available"; PolyPhen-2: "Benign"; Align-GVGD: "Not Available". The tyrosine amino acid residue is found in multiple mammalian species, which suggests that this missense change does not adversely affect protein function. ClinVar contains an entry for this variant (Variation ID: 628570). This variant has not been reported in the literature in individuals affected with ATM-related conditions. This sequence change replaces histidine, which is basic and polar, with tyrosine, which is neutral and polar, at codon 399 of the ATM protein (p.His399Tyr).

Color Diagnostics, LLC DBA Color Health
Classification: Uncertain significance for Hereditary cancer-predisposing syndrome. Last evaluated: 2019-01-26. Review status: criteria provided, single submitter. Criteria: ACMG Guidelines, 2015. Collection method: clinical testing. Allele origin: germline.

NM_000051.4(ATM):c.1195C>T (p.His399Tyr)

Gene: ATM (ATM serine/threonine kinase; plus strand). Cytogenetic location: 11q22.3.
Variant type: single nucleotide variant.
Coding change: c.1195C>T on transcript NM_000051.4 (MANE Select); coding-DNA position 1195, C replaced by T.
Protein change: p.His399Tyr; replaces histidine 399 with tyrosine.
Molecular consequence: missense variant.
Genome position (GRCh38, 1-based): chr11:108,249,062, C>T. VCF-style: chr11-108249062-C-T. GRCh37 (hg19) VCF-style: chr11-108119789-C-T.
Other names: c.1195C>T, p.His399Tyr (NM_001351834.2); short protein forms H399Y.
Identifiers: ClinVar variation 628570 (VCV000628570.6), dbSNP rs1565379474, ClinGen allele CA382532582.